The following is an entry in ClinVar:

NM_004977.3(KCNC3):c.1830C>T (p.Ala610=)

Gene: KCNC3 (potassium voltage-gated channel subfamily C member 3; minus strand). Cytogenetic location: 19q13.33.
Variant type: single nucleotide variant.
Coding change: c.1830C>T on transcript NM_004977.3 (MANE Select); coding-DNA position 1830, C replaced by T.
Protein change: p.Ala610=; no amino-acid change (alanine 610 retained).
Molecular consequence: synonymous variant.
Genome position (GRCh38, 1-based): chr19:50,323,123, G>A on the plus strand (C>T on the coding strand, the complement: KCNC3 is on the minus strand). VCF-style: chr19-50323123-G-A. GRCh37 (hg19) VCF-style: chr19-50826380-G-A.
Other names: c.1602C>T, p.Ala534= (NM_001372305.1).
Identifiers: ClinVar variation 1546189 (VCV001546189.10), dbSNP rs372870084, ClinGen allele CA309572628.

ClinVar aggregate classification (germline): Likely benign. Review status: criteria provided, multiple submitters, no conflicts (2 of 4 stars). 3 submissions from 3 submitters: Likely benign (3). Last evaluated 2026-07-01.

Allele frequency attached by ClinVar (database versions not stated): gnomAD 0.00003 and 0.00004; gnomAD exomes 0.00004; TOPMed 0.00005.
gnomAD v4.1: 36 of 1,536,216 alleles (0.0023%); highest among the groups gnomAD compares: East Asian, 0.029%; no homozygotes.

Submissions (3):

CeGaT Center for Human Genetics Tuebingen
Classification: Likely benign. Last evaluated: 2026-07-01. Review status: criteria provided, single submitter. Criteria: CeGaT Center For Human Genetics Tuebingen Variant Classification Criteria Version 2. Collection method: clinical testing. Allele origin: germline. Affected: yes. Observed: 1 variant allele.
Comment: KCNC3: BP4, BP7

Blueprint Genetics
Classification: Likely benign. Last evaluated: 2024-09-13. Review status: criteria provided, single submitter. Criteria: ACMG Guidelines, 2015. Collection method: clinical testing. Allele origin: germline.

Labcorp Genetics (formerly Invitae), Labcorp
Classification: Likely benign. Last evaluated: 2021-02-22. Review status: criteria provided, single submitter. Criteria: Invitae Variant Classification Sherloc (09022015). Collection method: clinical testing. Allele origin: germline.